The following is an entry in ClinVar:

ClinVar aggregate classification (germline): Uncertain significance. Review status: criteria provided, multiple submitters, no conflicts (2 of 4 stars). 2 submissions from 2 submitters: Uncertain significance (2). Last evaluated 2023-10-04.

Conditions:
Renal dysplasia, cystic, susceptibility to. Identifiers: MedGen C3275898, MONDO:0011037, OMIM 601331.

Allele frequency attached by ClinVar (database versions not stated): gnomAD 0.00001; ExAC 0.00004; 1000 Genomes Project 30x 0.00016; 1000 Genomes Project 0.00020.
gnomAD v4.1: 39 of 1,613,734 alleles (0.0024%); highest among the groups gnomAD compares: East Asian, 0.022%; no homozygotes.

Submissions (2):

Labcorp Genetics (formerly Invitae), Labcorp
Classification: Uncertain significance. Last evaluated: 2023-10-04. Review status: criteria provided, single submitter. Criteria: Invitae Variant Classification Sherloc (09022015). Collection method: clinical testing. Allele origin: germline.
Comment: This sequence change replaces threonine, which is neutral and polar, with methionine, which is neutral and non-polar, at codon 753 of the BICC1 protein (p.Thr753Met). This variant is present in population databases (rs554979199, gnomAD 0.005%). This variant has not been reported in the literature in individuals affected with BICC1-related conditions. An algorithm developed to predict the effect of missense changes on protein structure and function (PolyPhen-2) suggests that this variant is likely to be disruptive. In summary, the available evidence is currently insufficient to determine the role of this variant in disease. Therefore, it has been classified as a Variant of Uncertain Significance.

Juno Genomics, Hangzhou Juno Genomics, Inc
Classification: Uncertain significance for Renal dysplasia, cystic, susceptibility to. Review status: criteria provided, single submitter. Criteria: ACMG Guidelines, 2015. Collection method: clinical testing. Allele origin: germline.
Comment: Absent from controls (or at extremely low frequency if recessive) in Genome Aggregation Database.

NM_001080512.3(BICC1):c.2258C>T (p.Thr753Met)

Genes: BICC1 (BicC family RNA binding protein 1; plus strand), LOC126860938 (MED14-independent group 3 enhancer GRCh37_chr10:60566642-60567841; plus strand). Cytogenetic location: 10q21.1.
Variant type: single nucleotide variant.
Coding change: c.2258C>T on transcript NM_001080512.3 (MANE Select); coding-DNA position 2258, C replaced by T.
Protein change: p.Thr753Met; replaces threonine 753 with methionine.
Molecular consequence: missense variant.
Genome position (GRCh38, 1-based): chr10:58,807,040, C>T. VCF-style: chr10-58807040-C-T. GRCh37 (hg19) VCF-style: chr10-60566800-C-T.
Other names: short protein forms T753M.
Identifiers: ClinVar variation 2710240 (VCV002710240.5), dbSNP rs554979199, ClinGen allele CA5508754.